The following is an entry in ClinVar:

NM_000051.4(ATM):c.6099A>G (p.Leu2033=)

Genes: ATM (ATM serine/threonine kinase; plus strand), C11orf65 (chromosome 11 open reading frame 65; minus strand). Cytogenetic location: 11q22.3.
Variant type: single nucleotide variant.
Coding change: c.6099A>G on transcript NM_000051.4 (MANE Select); coding-DNA position 6099, A replaced by G.
Protein change: p.Leu2033=; no amino-acid change (leucine 2033 retained).
Molecular consequence: synonymous variant. On other transcripts: intron variant (2).
Genome position (GRCh38, 1-based): chr11:108,316,014, A>G. VCF-style: chr11-108316014-A-G. GRCh37 (hg19) VCF-style: chr11-108186741-A-G.
Other names: c.6099A>G, p.Leu2033= (NM_001351834.2); c.641-6943T>C (NM_001330368.2); c.*39-6943T>C (NM_001351110.2).
Identifiers: ClinVar variation 382182 (VCV000382182.3), dbSNP rs1057521275, ClinGen allele CA16606109.

ClinVar aggregate classification (germline): Likely benign. Review status: criteria provided, multiple submitters, no conflicts (2 of 4 stars). 2 submissions from 2 submitters: Likely benign (2). Last evaluated 2025-10-15.

Conditions:
Hereditary cancer-predisposing syndrome. Also called: Neoplastic Syndromes, Hereditary; Hereditary neoplastic syndrome; Hereditary Cancer Syndrome; Tumor predisposition. Identifiers: Orphanet 140162, MedGen C0027672, MeSH D009386, MONDO:0015356.

Submissions (2):

Ambry Genetics
Classification: Likely benign for Hereditary cancer-predisposing syndrome. Last evaluated: 2025-10-15. Review status: criteria provided, single submitter. Criteria: Ambry Variant Classification Scheme 2023. Collection method: clinical testing. Allele origin: germline.

GeneDx
Classification: Likely benign. Last evaluated: 2015-12-08. Review status: criteria provided, single submitter. Criteria: GeneDx Variant Classification (06012015). Collection method: clinical testing. Allele origin: germline. Affected: yes.
Comment: This variant is considered likely benign or benign based on one or more of the following criteria: it is a conservative change, it occurs at a poorly conserved position in the protein, it is predicted to be benign by multiple in silico algorithms, and/or has population frequency not consistent with disease.